The following is an entry in ClinVar:

NM_206933.4(USH2A):c.7077_7078del (p.Leu2359fs)

Gene: USH2A (usherin; minus strand). Cytogenetic location: 1q41.
Variant type: Deletion.
Coding change: c.7077_7078del on transcript NM_206933.4 (MANE Select); coding-DNA positions 7077 to 7078, 2 bases deleted (AA; older notation c.7077_7078delAA).
Protein change: p.Leu2359fs; shifts the reading frame from leucine 2359.
Molecular consequence: frameshift variant.
Genome position (GRCh38, 1-based): chr1:215,965,359-215,965,360, TT deleted on the plus strand (AA on the coding strand, the reverse complement: USH2A is on the minus strand). VCF-style (leftmost placement, unchanged base first): chr1-215965358-GTT-G. GRCh37 (hg19) VCF-style: chr1-216138700-GTT-G.
Other names: short protein forms L2359fs.
Identifiers: ClinVar variation 2012760 (VCV002012760.4), dbSNP rs2527554204, ClinGen allele CA2580062077.

ClinVar aggregate classification (germline): Pathogenic (1 of 4 stars; one submission).

Submission:

Labcorp Genetics (formerly Invitae), Labcorp
Classification: Pathogenic. Last evaluated: 2023-07-16. Review status: criteria provided, single submitter. Criteria: Invitae Variant Classification Sherloc (09022015). Collection method: clinical testing. Allele origin: germline.
Comment: This sequence change creates a premature translational stop signal (p.Leu2359Phefs*17) in the USH2A gene. It is expected to result in an absent or disrupted protein product. Loss-of-function variants in USH2A are known to be pathogenic (PMID: 10729113, 10909849, 20507924, 25649381). This variant is not present in population databases (gnomAD no frequency). This variant has not been reported in the literature in individuals affected with USH2A-related conditions. ClinVar contains an entry for this variant (Variation ID: 2012760). For these reasons, this variant has been classified as Pathogenic.

Literature cited by the submitters: PubMed 10729113; PubMed 10909849; PubMed 20507924; PubMed 25649381.